The following is an entry in ClinVar:

ClinVar aggregate classification (germline): Likely pathogenic (1 of 4 stars; one submission).

Submission:

GeneDx
Classification: Likely pathogenic. Last evaluated: 2023-07-02. Review status: criteria provided, single submitter. Criteria: GeneDx Variant Classification Process June 2021. Collection method: clinical testing. Allele origin: germline. Affected: yes.
Comment: Frameshift variant predicted to result in protein truncation or nonsense mediated decay in a gene for which loss of function is a known mechanism of disease; Not observed at significant frequency in large population cohorts (gnomAD); Has not been previously published as pathogenic or benign to our knowledge

NM_005585.5(SMAD6):c.39_40del (p.Trp14fs)

Gene: SMAD6 (SMAD family member 6; plus strand). Cytogenetic location: 15q22.31.
Variant type: Deletion.
Coding change: c.39_40del on transcript NM_005585.5 (MANE Select); coding-DNA positions 39 to 40, 2 bases deleted (TT; older notation c.39_40delTT).
Protein change: p.Trp14fs; shifts the reading frame from tryptophan 14.
Molecular consequence: frameshift variant. On other transcripts: non-coding transcript variant (1).
Genome position (GRCh38, 1-based): chr15:66,703,297-66,703,298, TT deleted; deleting any 2 consecutive bases within chr15:66,703,296-66,703,298 gives the same sequence; the c. name uses the placement nearest the transcript's 3' end. VCF-style (leftmost placement, unchanged base first): chr15-66703295-CTT-C. GRCh37 (hg19) VCF-style: chr15-66995633-CTT-C.
Other names: short protein forms W14fs.
Identifiers: ClinVar variation 2507219 (VCV002507219.1), dbSNP rs2545310277, ClinGen allele CA2580613856.